The following is an entry in ClinVar:

ClinVar aggregate classification (germline): Uncertain significance (1 of 4 stars; one submission).

Conditions:
Leber congenital amaurosis 1 (LCA1). Also called: RETINAL BLINDNESS, CONGENITAL; AMAUROSIS CONGENITA OF LEBER I; Congenital absence of the rods and cones; Leber's congenital tapetoretinal degeneration; Leber's congenital tapetoretinal dysplasia. Identifiers: Orphanet 65, MedGen C2931258, MONDO:0008764, OMIM 204000.
Cone-rod dystrophy 6 (CORD6). Also called: RETINAL CONE DYSTROPHY 2; Cone dystrophy progressive. Identifiers: Orphanet 1872, MedGen C1866293, MONDO:0011143, OMIM 601777.

Submission:

Labcorp Genetics (formerly Invitae), Labcorp
Classification: Uncertain significance for Leber congenital amaurosis 1; Cone-rod dystrophy 6. Last evaluated: 2024-11-23. Review status: criteria provided, single submitter. Criteria: Invitae Variant Classification Sherloc (09022015). Collection method: clinical testing. Allele origin: germline.
Comment: This sequence change replaces serine, which is neutral and polar, with threonine, which is neutral and polar, at codon 298 of the GUCY2D protein (p.Ser298Thr). This variant is present in population databases (rs748043131, gnomAD 0.003%). This variant has not been reported in the literature in individuals affected with GUCY2D-related conditions. Invitae Evidence Modeling of protein sequence and biophysical properties (such as structural, functional, and spatial information, amino acid conservation, physicochemical variation, residue mobility, and thermodynamic stability) indicates that this missense variant is not expected to disrupt GUCY2D protein function with a negative predictive value of 80%. In summary, the available evidence is currently insufficient to determine the role of this variant in disease. Therefore, it has been classified as a Variant of Uncertain Significance.

NM_000180.4(GUCY2D):c.893G>C (p.Ser298Thr)

Gene: GUCY2D (guanylate cyclase 2D, retinal; plus strand). Cytogenetic location: 17p13.1.
Variant type: single nucleotide variant.
Coding change: c.893G>C on transcript NM_000180.4 (MANE Select); coding-DNA position 893, G replaced by C.
Protein change: p.Ser298Thr; replaces serine 298 with threonine.
Molecular consequence: missense variant.
Genome position (GRCh38, 1-based): chr17:8,004,023, G>C. VCF-style: chr17-8004023-G-C. GRCh37 (hg19) VCF-style: chr17-7907341-G-C.
Other names: short protein forms S298T.
Identifiers: ClinVar variation 3751629 (VCV003751629.2).